The following is an entry in ClinVar:

NM_004960.4(FUS):c.1377A>T (p.Pro459=)

Gene: FUS (FUS RNA binding protein; plus strand). Cytogenetic location: 16p11.2.
Variant type: single nucleotide variant.
Coding change: c.1377A>T on transcript NM_004960.4 (MANE Select); coding-DNA position 1377, A replaced by T.
Protein change: p.Pro459=; no amino-acid change (proline 459 retained).
Molecular consequence: synonymous variant. On other transcripts: non-coding transcript variant (1).
Genome position (GRCh38, 1-based): chr16:31,190,826, A>T. VCF-style: chr16-31190826-A-T. GRCh37 (hg19) VCF-style: chr16-31202147-A-T.
Other names: c.1374A>T, p.Pro458= (NM_001170634.1); c.1365A>T, p.Pro455= (NM_001170937.1).
Identifiers: ClinVar variation 1771188 (VCV001771188.4), dbSNP rs769158500, ClinGen allele CA8024029.

ClinVar aggregate classification (germline): Likely benign. Review status: criteria provided, multiple submitters, no conflicts (2 of 4 stars). 3 submissions from 3 submitters: Likely benign (3). Last evaluated 2026-05-01.

Conditions:
Amyotrophic lateral sclerosis type 6. Also called: Amyotrophic lateral sclerosis 6, with or without frontotemporal dementia; FUS-Related Amyotrophic Laterial Sclerosis; AMYOTROPHIC LATERAL SCLEROSIS 6 WITHOUT FRONTOTEMPORAL DEMENTIA. Identifiers: Orphanet 275872, Orphanet 803, MedGen C2931786, MONDO:0011951, OMIM 608030.
Tremor, hereditary essential, 4 (ETM4). Identifiers: MedGen C3539195, MONDO:0013888, OMIM 614782.
FUS-related disorder. Also called: FUS-related condition.
Inborn genetic diseases. Identifiers: MedGen C0950123, MeSH D030342.

Allele frequency attached by ClinVar (database versions not stated): ExAC 0.00001; gnomAD 0.00004.
gnomAD v4.1: 24 of 1,614,086 alleles (0.0015%); highest among the groups gnomAD compares: South Asian, 0.019%; no homozygotes.

Submissions (3):

PreventionGenetics, part of Exact Sciences
Classification: Likely benign for FUS-related condition. Last evaluated: 2026-05-01. Review status: criteria provided, single submitter. Criteria: ACMG Guidelines, 2015. Collection method: clinical testing. Allele origin: germline.
Comment: This variant is classified as likely benign based on ACMG/AMP sequence variant interpretation guidelines (Richards et al. 2015 PMID: 25741868, with internal and published modifications).

Labcorp Genetics (formerly Invitae), Labcorp
Classification: Likely benign for Tremor, hereditary essential, 4; Amyotrophic lateral sclerosis type 6. Last evaluated: 2025-06-02. Review status: criteria provided, single submitter. Criteria: Invitae Variant Classification Sherloc (09022015). Collection method: clinical testing. Allele origin: germline.

Ambry Genetics
Classification: Likely benign for Inborn genetic diseases. Last evaluated: 2020-12-30. Review status: criteria provided, single submitter. Criteria: Ambry Variant Classification Scheme 2023. Collection method: clinical testing. Allele origin: germline.